The following is an entry in ClinVar:

NM_138691.3(TMC1):c.968A>G (p.Tyr323Cys)

Gene: TMC1 (transmembrane channel like 1; plus strand). Cytogenetic location: 9q21.13.
Variant type: single nucleotide variant.
Coding change: c.968A>G on transcript NM_138691.3 (MANE Select); coding-DNA position 968, A replaced by G.
Protein change: p.Tyr323Cys; replaces tyrosine 323 with cysteine.
Molecular consequence: missense variant.
Genome position (GRCh38, 1-based): chr9:72,788,422, A>G. VCF-style: chr9-72788422-A-G. GRCh37 (hg19) VCF-style: chr9-75403338-A-G.
Other names: short protein forms Y323C.
Identifiers: ClinVar variation 1306523 (VCV001306523.11), dbSNP rs746724027, ClinGen allele CA5081840.

ClinVar aggregate classification (germline): Conflicting classifications of pathogenicity. Review status: criteria provided, conflicting classifications (1 of 4 stars). 7 submissions from 7 submitters: Likely pathogenic (2); Uncertain significance (4). 1 of the submissions does not count toward it. Last evaluated 2025-08-12.

Conditions:
Inborn genetic diseases. Identifiers: MedGen C0950123, MeSH D030342.
TMC1-related disorder. Also called: TMC1-related condition; TMC1-related disorders.
Autosomal dominant nonsyndromic hearing loss 36. Identifiers: Orphanet 90635, MedGen C1847626, MONDO:0011708, OMIM 606705.
Monogenic hearing loss.

Allele frequency attached by ClinVar (database versions not stated): ExAC 0.00003; TOPMed 0.00003; gnomAD exomes 0.00004 and 0.00005; gnomAD 0.00007 and 0.00008.
gnomAD v4.1: 82 of 1,613,954 alleles (0.0051%); highest among the groups gnomAD compares: Non-Finnish European, 0.0042%; no homozygotes.

Submissions (7):

Genetics Laboratory, Great Ormond Street Hospital NHS Foundation Trust, North Thames Genomic Laboratory Hub
Classification: Likely pathogenic for Monogenic hearing loss. Last evaluated: 2025-08-12. Review status: criteria provided, single submitter. Criteria: ACGS Best Practice Guidelines for Variant Classification in Rare Disease 2024 v1.2. Collection method: clinical testing. Allele origin: germline. Affected: yes.
Comment: PM2_moderate, PM3_strong

Labcorp Genetics (formerly Invitae), Labcorp
Classification: Uncertain significance. Last evaluated: 2023-11-28. Review status: criteria provided, single submitter. Criteria: Invitae Variant Classification Sherloc (09022015). Collection method: clinical testing. Allele origin: germline.
Comment: This sequence change replaces tyrosine, which is neutral and polar, with cysteine, which is neutral and slightly polar, at codon 323 of the TMC1 protein (p.Tyr323Cys). This variant is present in population databases (rs746724027, gnomAD 0.05%). This variant has not been reported in the literature in individuals affected with TMC1-related conditions. ClinVar contains an entry for this variant (Variation ID: 1306523). Advanced modeling of protein sequence and biophysical properties (such as structural, functional, and spatial information, amino acid conservation, physicochemical variation, residue mobility, and thermodynamic stability) has been performed at Invitae for this missense variant, however the output from this modeling did not meet the statistical confidence thresholds required to predict the impact of this variant on TMC1 protein function. In summary, the available evidence is currently insufficient to determine the role of this variant in disease. Therefore, it has been classified as a Variant of Uncertain Significance.

Baylor Genetics
Classification: Uncertain significance for Autosomal dominant nonsyndromic hearing loss 36. Last evaluated: 2023-03-02. Review status: criteria provided, single submitter. Criteria: ACMG Guidelines, 2015. Collection method: clinical testing. Allele origin: unknown.

Ambry Genetics
Classification: Uncertain significance for Inborn genetic diseases. Last evaluated: 2021-11-29. Review status: criteria provided, single submitter. Criteria: Ambry Variant Classification Scheme 2023. Collection method: clinical testing. Allele origin: germline.

Blueprint Genetics
Classification: Likely pathogenic for TMC1-related disorders. Last evaluated: 2021-11-02. Review status: criteria provided, single submitter. Criteria: ACMG Guidelines, 2015. Collection method: clinical testing. Allele origin: germline. Affected: yes. Observed: 5 variant alleles.

GeneDx
Classification: Uncertain significance. Last evaluated: 2019-06-18. Review status: criteria provided, single submitter. Criteria: GeneDx Variant Classification Process June 2021. Collection method: clinical testing. Allele origin: germline. Affected: yes.
Comment: In silico analysis, which includes protein predictors and evolutionary conservation, supports a deleterious effect; Has not been previously published as pathogenic or benign to our knowledge

PreventionGenetics, part of Exact Sciences
Classification: Uncertain significance for TMC1-related condition. Last evaluated: 2024-08-15. Review status: no assertion criteria provided. Collection method: clinical testing. Allele origin: germline. Not counted in ClinVar's aggregate classification.
Comment: The TMC1 c.968A>G variant is predicted to result in the amino acid substitution p.Tyr323Cys. This variant has been reported in the compound heterozygous state with a nonsense variant in two siblings with sensorineural hearing loss. The heterozygous carrier parent was reported to be unaffected (Kraatari-Tiri et al. 2022. PubMed ID: 35407445). This variant is reported in 0.048% of alleles in individuals of European (Finnish) descent in gnomAD. At this time, the clinical significance of this variant is uncertain due to the absence of conclusive functional and genetic evidence.